The following is an entry in ClinVar:

ClinVar aggregate classification (germline): Uncertain significance. Review status: criteria provided, multiple submitters, no conflicts (2 of 4 stars). 2 submissions from 2 submitters: Uncertain significance (2). Last evaluated 2024-06-16.

Conditions:
Epidermolysis bullosa simplex with nail dystrophy (EBS5D). Identifiers: MedGen C4225309, MONDO:0014661, OMIM 616487.
Epidermolysis bullosa simplex, Ogna type (EBS5A). Also called: Pidermolysis bullosa simplex 5A, Ogna type; EPIDERMOLYSIS BULLOSA SIMPLEX 5A, OGNA TYPE. Identifiers: Orphanet 79401, MedGen C0432317, MONDO:0007555, OMIM 131950.
Autosomal recessive limb-girdle muscular dystrophy type 2Q (LGMDR17). Also called: MUSCULAR DYSTROPHY, LIMB-GIRDLE, AUTOSOMAL RECESSIVE 17. Identifiers: Orphanet 254361, MedGen C3150989, MONDO:0013390, OMIM 613723.
Epidermolysis bullosa simplex 5B, with muscular dystrophy (EBS5B). Also called: EPIDERMOLYSIS BULLOSA SIMPLEX AND LIMB-GIRDLE MUSCULAR DYSTROPHY; Epidermolysis bullosa simplex with muscular dystrophy. Identifiers: Orphanet 257, MedGen C2931072, MONDO:0009181, OMIM 226670.
Epidermolysis bullosa simplex 5C, with pyloric atresia (EBS5C). Also called: PLEC-Related Epidermolysis Bullosa with Pyloric Atresia; Epidermolysis bullosa simplex with pyloric atresia; PLEC1-Related Epidermolysis Bullosa with Pyloric Atresia. Identifiers: Orphanet 158684, MedGen C2677349, MONDO:0012807, OMIM 612138.
Inborn genetic diseases. Identifiers: MedGen C0950123, MeSH D030342.

gnomAD v4.1: 6 of 1,607,658 alleles (0.00037%); highest among the groups gnomAD compares: Non-Finnish European, 0.00051%; no homozygotes.

Submissions (2):

Labcorp Genetics (formerly Invitae), Labcorp
Classification: Uncertain significance for Autosomal recessive limb-girdle muscular dystrophy type 2Q; Epidermolysis bullosa simplex, Ogna type; Epidermolysis bullosa simplex with nail dystrophy; Epidermolysis bullosa simplex 5C, with pyloric atresia; Epidermolysis bullosa simplex 5B, with muscular dystrophy. Last evaluated: 2024-06-16. Review status: criteria provided, single submitter. Criteria: Invitae Variant Classification Sherloc (09022015). Collection method: clinical testing. Allele origin: germline.
Comment: This sequence change replaces arginine, which is basic and polar, with glycine, which is neutral and non-polar, at codon 614 of the PLEC protein (p.Arg614Gly). This variant is not present in population databases (gnomAD no frequency). This variant has not been reported in the literature in individuals affected with PLEC-related conditions. Experimental studies and prediction algorithms are not available or were not evaluated, and the functional significance of this variant is currently unknown. In summary, the available evidence is currently insufficient to determine the role of this variant in disease. Therefore, it has been classified as a Variant of Uncertain Significance.

Ambry Genetics
Classification: Uncertain significance for Inborn genetic diseases. Last evaluated: 2024-03-15. Review status: criteria provided, single submitter. Criteria: Ambry Variant Classification Scheme 2023. Collection method: clinical testing. Allele origin: germline.

NM_201384.3(PLEC):c.1759C>G (p.Arg587Gly)

Gene: PLEC (plectin; minus strand). Cytogenetic location: 8q24.3.
Variant type: single nucleotide variant.
Coding change: c.1759C>G on transcript NM_201384.3 (MANE Select); coding-DNA position 1759, C replaced by G.
Protein change: p.Arg587Gly; replaces arginine 587 with glycine.
Molecular consequence: missense variant.
Genome position (GRCh38, 1-based): chr8:143,932,691, G>C on the plus strand (C>G on the coding strand, the complement: PLEC is on the minus strand). VCF-style: chr8-143932691-G-C. GRCh37 (hg19) VCF-style: chr8-145006859-G-C.
Other names: c.1840C>G, p.Arg614Gly (NM_000445.5, NM_001410941.1); c.1717C>G, p.Arg573Gly (NM_201378.4); c.1693C>G, p.Arg565Gly (NM_201379.3); c.2170C>G, p.Arg724Gly (NM_201380.4); c.1663C>G, p.Arg555Gly (NM_201381.3); c.1759C>G, p.Arg587Gly (NM_201382.4); c.1771C>G, p.Arg591Gly (NM_201383.3); short protein forms R591G, R565G, R555G, R573G, R587G, R614G, R724G.
Identifiers: ClinVar variation 3307443 (VCV003307443.3).
Genomic context (GRCh38, chr8:143,932,691, plus strand): 5'-TCACCAGCAGCTTGGCGTACTGCAGGTCCAGCCGACCCAGGCAGTCACGGTAGGCACCCC[G>C]GGTGGCGGGGGAGAGCTGGCCCTGCAACAGATGAGACGGTGAGGTCTGCAGTGGCTGGGC-3'
Protein context (NP_958786.1, residues 577-597): SDEGQLSPAT[Arg587Gly]GAYRDCLGRL